The following is an entry in ClinVar:

NM_000552.5(VWF):c.1931_1945+5del

Gene: VWF (von Willebrand factor; minus strand). Cytogenetic location: 12p13.31.
Variant type: Deletion.
Coding change: c.1931_1945+5del on transcript NM_000552.5 (MANE Select); coding-DNA position 1931 through 5 bases into the intron after coding-DNA position 1945, 20 bases deleted (AGCCAGGCCGCTGTGGTGCG).
Molecular consequence: splice donor variant.
Genome position (GRCh38, 1-based): chr12:6,056,852-6,056,871, CGCACCACAGCGGCCTGGCT deleted on the plus strand (AGCCAGGCCGCTGTGGTGCG on the coding strand, the reverse complement: VWF is on the minus strand); deleting any 20 consecutive bases within chr12:6,056,852-6,056,874 gives the same sequence; the c. name uses the placement nearest the transcript's 3' end. VCF-style (leftmost placement, unchanged base first): chr12-6056851-ACGCACCACAGCGGCCTGGCT-A. GRCh37 (hg19) VCF-style: chr12-6166017-ACGCACCACAGCGGCCTGGCT-A.
Identifiers: ClinVar variation 1065250 (VCV001065250.3), dbSNP rs2136454053, ClinGen allele CA1139655390.

ClinVar aggregate classification (germline): Likely pathogenic (0 of 4 stars; one submission).

Conditions:
von Willebrand disease type 3 (VWD3). Also called: Type 3 Von Willebrand's disease; Type 3 VWD; Von Willebrand disease, severe form; V WD3; VON WILLEBRAND DISEASE, TYPE III. Identifiers: Orphanet 166096, MedGen C1264041, MONDO:0010191, OMIM 277480.

Submission:

Angelo Bianchi Bonomi Hemophilia and Thrombosis Center, Fondazione IRCCS Ca Granda Ospedale Maggiore Policlinico
Classification: Likely pathogenic for von Willebrand disease type 3. Last evaluated: 2020-11-01. Review status: no assertion criteria provided. Collection method: clinical testing. Allele origin: germline. Affected: yes. Study: Type 3 Von Willebrand International Registries Inhibitor Prospective Study (3WINTERS-IPS).
Comment: ClinGen Pathogenicity Calculator